The following is an entry in ClinVar:

NM_018131.5(CEP55):c.1065+11G>A

Gene: CEP55 (centrosomal protein 55; plus strand). Cytogenetic location: 10q23.33.
Variant type: single nucleotide variant.
Coding change: c.1065+11G>A on transcript NM_018131.5 (MANE Select); 11 bases into the intron after coding-DNA position 1065, G replaced by A.
Molecular consequence: intron variant.
Genome position (GRCh38, 1-based): chr10:93,518,959, G>A. VCF-style: chr10-93518959-G-A. GRCh37 (hg19) VCF-style: chr10-95278716-G-A.
Other names: c.1065+11G>A (NM_001127182.2).
Identifiers: ClinVar variation 1600038 (VCV001600038.32), dbSNP rs111574036, ClinGen allele CA5609075.

ClinVar aggregate classification (germline): Benign/Likely benign. Review status: criteria provided, multiple submitters, no conflicts (2 of 4 stars). 3 submissions from 3 submitters: Benign (2); Likely benign (1). Last evaluated 2026-10-01.

Allele frequency attached by ClinVar (database versions not stated): 1000 Genomes Project 0.00260; 1000 Genomes Project 30x 0.00281; gnomAD exomes 0.00609; ExAC 0.00618; TOPMed 0.00728; gnomAD 0.00742 and 0.00768; ESP Exome Variant Server 0.00746.
gnomAD v4.1: 13,265 of 1,607,038 alleles (0.83%); highest among the groups gnomAD compares: Non-Finnish European, 0.99%; 76 homozygotes.

Submissions (3):

CeGaT Center for Human Genetics Tuebingen
Classification: Likely benign. Last evaluated: 2026-10-01. Review status: criteria provided, single submitter. Criteria: CeGaT Center For Human Genetics Tuebingen Variant Classification Criteria Version 2. Collection method: clinical testing. Allele origin: germline. Affected: yes. Observed: 6 variant alleles.
Comment: CEP55: BS2

Labcorp Genetics (formerly Invitae), Labcorp
Classification: Benign. Last evaluated: 2026-01-03. Review status: criteria provided, single submitter. Criteria: Invitae Variant Classification Sherloc (09022015). Collection method: clinical testing. Allele origin: germline.

Breakthrough Genomics
Classification: Benign. Review status: criteria provided, single submitter. Criteria: ACMG Guidelines, 2015. Collection method: not provided. Allele origin: germline. Inheritance: Autosomal recessive inheritance. Affected: yes.